The following is an entry in ClinVar:

ClinVar aggregate classification (germline): Uncertain significance (1 of 4 stars; one submission).

Conditions:
VPS13B-related disorder. Also called: VPS13B-related condition.

Submission:

PreventionGenetics, part of Exact Sciences
Classification: Uncertain significance for VPS13B-related condition. Last evaluated: 2026-05-16. Review status: criteria provided, single submitter. Criteria: ACMG Guidelines, 2015. Collection method: clinical testing. Allele origin: germline.
Comment: The VPS13B c.5471T>C variant is predicted to result in the amino acid substitution p.Met1824Thr. To our knowledge, this variant has not been reported in the literature or in a large population database (gnomAD), indicating this variant is rare. At this time, the clinical significance of this variant is uncertain due to the absence of conclusive functional and genetic evidence.

NM_152564.5(VPS13B):c.5471T>C (p.Met1824Thr)

Gene: VPS13B (vacuolar protein sorting 13 homolog B; plus strand). Cytogenetic location: 8q22.2.
Variant type: single nucleotide variant.
Coding change: c.5471T>C on transcript NM_152564.5 (MANE Select); coding-DNA position 5471, T replaced by C.
Protein change: p.Met1824Thr; replaces methionine 1824 with threonine.
Molecular consequence: missense variant.
Genome position (GRCh38, 1-based): chr8:99,642,061, T>C. VCF-style: chr8-99642061-T-C. GRCh37 (hg19) VCF-style: chr8-100654289-T-C.
Other names: c.5546T>C, p.Met1849Thr (NM_017890.5); short protein forms M1824T, M1849T.
Identifiers: ClinVar variation 4994153 (VCV004994153.1).
Genomic context (GRCh38, chr8:99,642,061, plus strand): 5'-TAAAAAATCTAAATTTTATTCCCTTTGACATATTTATTACTGCAAGTAGAATCTCACTAA[T>C]GACCTATTCCTGTATGGCCTTATCCAAATCGAAATCACAAGAACAGAAGAATAATGAAAA-3'
Protein context (NP_689777.3, residues 1814-1834): IFITASRISL[Met1824Thr]TYSCMALSKS